The following is an entry in ClinVar:

ClinVar aggregate classification (germline): Uncertain significance (1 of 4 stars; one submission).

Allele frequency attached by ClinVar (database versions not stated): gnomAD 0.00001; gnomAD exomes 0.00001 and 0.00002; ExAC 0.00002; TOPMed 0.00002.
gnomAD v4.1: 19 of 1,613,716 alleles (0.0012%); highest among the groups gnomAD compares: East Asian, 0.0067%; no homozygotes.

Submission:

Greenwood Genetic Center Diagnostic Laboratories, Greenwood Genetic Center
Classification: Uncertain significance. Last evaluated: 2024-08-29. Review status: criteria provided, single submitter. Criteria: ACMG Guidelines, 2015. Collection method: clinical testing. Allele origin: germline. Affected: yes.
Comment: BP4

NM_001355436.2(SPTB):c.5439C>T (p.Ile1813=)

Gene: SPTB (spectrin beta, erythrocytic; minus strand). Cytogenetic location: 14q23.3.
Variant type: single nucleotide variant.
Coding change: c.5439C>T on transcript NM_001355436.2 (MANE Select); coding-DNA position 5439, C replaced by T.
Protein change: p.Ile1813=; no amino-acid change (isoleucine 1813 retained).
Molecular consequence: synonymous variant.
Genome position (GRCh38, 1-based): chr14:64,772,694, G>A on the plus strand (C>T on the coding strand, the complement: SPTB is on the minus strand). VCF-style: chr14-64772694-G-A. GRCh37 (hg19) VCF-style: chr14-65239412-G-A.
Other names: c.5439C>T, p.Ile1813= (NM_001024858.4, NM_001355437.2).
Identifiers: ClinVar variation 313713 (VCV000313713.6), dbSNP rs774241447, ClinGen allele CA7229971.
Genomic context (GRCh38, chr14:64,772,694, plus strand): 5'-GGACTCGGCCGTGCTGGCGTCCAGCCCCACGTCCTCGGGCAGCTCGCGGTGCTTCTCGTC[G>A]ATGAGGCCCAGGATCTCGGCACCCGTGTAGAAGTAGCGGTGCAGGTCATAGGAGGCGGCC-3'
Protein context (NP_001342365.1, residues 1803-1823): FYTGAEILGL[Ile1813=]DEKHRELPED